The following is an entry in ClinVar:

NM_000288.4(PEX7):c.629A>G (p.Asn210Ser)

Gene: PEX7 (peroxisomal biogenesis factor 7; plus strand). Cytogenetic location: 6q23.3.
Variant type: single nucleotide variant.
Coding change: c.629A>G on transcript NM_000288.4 (MANE Select); coding-DNA position 629, A replaced by G.
Protein change: p.Asn210Ser; replaces asparagine 210 with serine.
Molecular consequence: missense variant.
Genome position (GRCh38, 1-based): chr6:136,866,729, A>G. VCF-style: chr6-136866729-A-G. GRCh37 (hg19) VCF-style: chr6-137187867-A-G.
Other names: short protein forms N210S.
Identifiers: ClinVar variation 1042208 (VCV001042208.7), dbSNP rs753193218, ClinGen allele CA4017666.
Genomic context (GRCh38, chr6:136,866,729, plus strand): 5'-TAAGAATCGTGATTCCTGCACATCAGGCAGAAATCTTGAGTTGTGACTGGTGTAAATACA[A>G]TGAGGTATAGTGTATGGCTCTATCCTATGCTGCTGTCCTTCCTAATGTTAAAATGTTCTG-3'
Protein context (NP_000279.1, residues 200-220): EILSCDWCKY[Asn210Ser]ENLLVTGAVD

ClinVar aggregate classification (germline): Uncertain significance. Review status: criteria provided, single submitter (1 of 4 stars). 2 submissions from 2 submitters: Uncertain significance (1). 1 of the submissions does not count toward it. Last evaluated 2022-10-04.

Conditions:
Rhizomelic chondrodysplasia punctata (RCDP). Identifiers: Orphanet 177, MedGen C0282529, MONDO:0015776. Disease mechanism: loss of function.
Peroxisome biogenesis disorder 9B. Also called: PEROXISOME BIOGENESIS DISORDER, PEX7-RELATED, ATYPICAL; PEX7-Related Refsum Disease; Refsum disease, adult, 2. Identifiers: Orphanet 773, MedGen C2749346, MONDO:0013945, OMIM 614879.

Allele frequency attached by ClinVar (database versions not stated): ExAC 0.00001; TOPMed 0.00001; gnomAD exomes 0.00002.
gnomAD v4.1: 10 of 1,610,536 alleles (0.00062%); highest among the groups gnomAD compares: East Asian, 0.0022%; no homozygotes.

Submissions (2):

Labcorp Genetics (formerly Invitae), Labcorp
Classification: Uncertain significance for Peroxisome biogenesis disorder 9B. Last evaluated: 2022-10-04. Review status: criteria provided, single submitter. Criteria: Invitae Variant Classification Sherloc (09022015). Collection method: clinical testing. Allele origin: germline.
Comment: This sequence change replaces asparagine, which is neutral and polar, with serine, which is neutral and polar, at codon 210 of the PEX7 protein (p.Asn210Ser). This variant is present in population databases (rs753193218, gnomAD 0.02%). This variant has not been reported in the literature in individuals affected with PEX7-related conditions. ClinVar contains an entry for this variant (Variation ID: 1042208). Algorithms developed to predict the effect of missense changes on protein structure and function output the following: SIFT: "Tolerated"; PolyPhen-2: "Benign"; Align-GVGD: "Class C0". The serine amino acid residue is found in multiple mammalian species, which suggests that this missense change does not adversely affect protein function. Algorithms developed to predict the effect of sequence changes on RNA splicing suggest that this variant may create or strengthen a splice site. In summary, the available evidence is currently insufficient to determine the role of this variant in disease. Therefore, it has been classified as a Variant of Uncertain Significance.

Natera, Inc.
Classification: Uncertain significance for Rhizomelic Chondrodysplasia Punctata. Last evaluated: 2021-02-25. Review status: no assertion criteria provided. Collection method: clinical testing. Allele origin: germline. Not counted in ClinVar's aggregate classification.